The following is an entry in ClinVar:

NM_001007553.3(CSDE1):c.2350-5C>T

Gene: CSDE1 (cold shock domain containing E1; minus strand). Cytogenetic location: 1p13.2.
Variant type: single nucleotide variant.
Coding change: c.2350-5C>T on transcript NM_001007553.3 (MANE Select); 5 bases into the intron before coding-DNA position 2350, C replaced by T.
Molecular consequence: intron variant.
Genome position (GRCh38, 1-based): chr1:114,718,221, G>A on the plus strand (C>T on the coding strand, the complement: CSDE1 is on the minus strand). VCF-style: chr1-114718221-G-A. GRCh37 (hg19) VCF-style: chr1-115260842-G-A.
Other names: c.2257-5C>T (NM_001242893.2, NM_007158.6); c.2350-5C>T (NM_001242892.2); c.2395-5C>T (NM_001130523.3); c.2488-5C>T (NM_001242891.2).
Identifiers: ClinVar variation 3054211 (VCV003054211.3), dbSNP rs189058114, ClinGen allele CA1020832.

ClinVar aggregate classification (germline): Likely benign. Review status: criteria provided, single submitter (1 of 4 stars). 2 submissions from 2 submitters: Likely benign (1). 1 of the submissions does not count toward it. Last evaluated 2024-11-13.

Conditions:
CSDE1-related disorder. Also called: CSDE1-related condition.

Allele frequency attached by ClinVar (database versions not stated): 1000 Genomes Project 30x 0.00016.
gnomAD v4.1: 122 of 1,611,226 alleles (0.0076%); highest among the groups gnomAD compares: African/African-American, 0.15%; no homozygotes.

Submissions (2):

Blueprint Genetics
Classification: Likely benign. Last evaluated: 2024-11-13. Review status: criteria provided, single submitter. Criteria: ACMG Guidelines, 2015. Collection method: clinical testing. Allele origin: germline.

PreventionGenetics, part of Exact Sciences
Classification: Likely benign for CSDE1-related condition. Last evaluated: 2022-03-16. Review status: no assertion criteria provided. Collection method: clinical testing. Allele origin: germline. Not counted in ClinVar's aggregate classification.
Comment: This variant is classified as likely benign based on ACMG/AMP sequence variant interpretation guidelines (Richards et al. 2015 PMID: 25741868, with internal and published modifications).